The following is an entry in ClinVar:

NM_052867.4(NALCN):c.4693G>A (p.Glu1565Lys)

Gene: NALCN (sodium leak channel, non-selective; minus strand). Cytogenetic location: 13q32.3.
Variant type: single nucleotide variant.
Coding change: c.4693G>A on transcript NM_052867.4 (MANE Select); coding-DNA position 4693, G replaced by A.
Protein change: p.Glu1565Lys; replaces glutamic acid 1565 with lysine.
Molecular consequence: missense variant.
Genome position (GRCh38, 1-based): chr13:101,062,030, C>T on the plus strand (G>A on the coding strand, the complement: NALCN is on the minus strand). VCF-style: chr13-101062030-C-T. GRCh37 (hg19) VCF-style: chr13-101714382-C-T.
Other names: c.4780G>A, p.Glu1594Lys (NM_001350748.2); c.4693G>A, p.Glu1565Lys (NM_001350749.2); c.4606G>A, p.Glu1536Lys (NM_001350750.2, NM_001350751.2); short protein forms E1536K, E1565K, E1594K.
Identifiers: ClinVar variation 3342527 (VCV003342527.1).

ClinVar aggregate classification (germline): Likely pathogenic (1 of 4 stars; one submission).

Submission:

GeneDx
Classification: Likely pathogenic. Last evaluated: 2023-12-26. Review status: criteria provided, single submitter. Criteria: GeneDx Variant Classification Process June 2021. Collection method: clinical testing. Allele origin: germline. Affected: yes.
Comment: Not observed at significant frequency in large population cohorts (gnomAD); In silico analysis supports that this missense variant has a deleterious effect on protein structure/function; Has not been previously published as pathogenic or benign to our knowledge